The following is an entry in ClinVar:

ClinVar aggregate classification (germline): Likely pathogenic (1 of 4 stars; one submission).

Conditions:
Pyridoxine-dependent epilepsy (EPEO4). Also called: PYRIDOXINE DEPENDENCY WITH SEIZURES; Pyridoxine-Dependent Seizures; Pyridoxine-Dependent Epilepsy - ALDH7A1; EPILEPSY, EARLY-ONSET, 4, VITAMIN B6-DEPENDENT. Identifiers: Orphanet 3006, MedGen C1849508, MONDO:0009945, OMIM 266100. Disease mechanism: loss of function.

Submission:

Labcorp Genetics (formerly Invitae), Labcorp
Classification: Likely pathogenic for Pyridoxine-dependent epilepsy. Last evaluated: 2025-02-06. Review status: criteria provided, single submitter. Criteria: Invitae Variant Classification Sherloc (09022015). Collection method: clinical testing. Allele origin: germline.
Comment: This sequence change creates a premature translational stop signal (p.Tyr526*) in the ALDH7A1 gene. While this is not anticipated to result in nonsense mediated decay, it is expected to disrupt the last 14 amino acid(s) of the ALDH7A1 protein. This variant is not present in population databases (gnomAD no frequency). This premature translational stop signal has been observed in individual(s) with clinical features of pyridoxine-dependent epilepsy (PMID: 30043187; internal data). ClinVar contains an entry for this variant (Variation ID: 1929376). Experimental studies and prediction algorithms are not available or were not evaluated, and the functional significance of this variant is currently unknown. In summary, the currently available evidence indicates that the variant is pathogenic, but additional data are needed to prove that conclusively. Therefore, this variant has been classified as Likely Pathogenic.

Literature cited by the submitters: PubMed 30043187.

NM_001182.5(ALDH7A1):c.1578_1582del (p.Tyr526_Lys528delinsTer)

Gene: ALDH7A1 (aldehyde dehydrogenase 7 family member A1; minus strand). Cytogenetic location: 5q23.2.
Variant type: Deletion.
Coding change: c.1578_1582del on transcript NM_001182.5 (MANE Select); coding-DNA positions 1578 to 1582, 5 bases deleted (CAGTA; older notation c.1578_1582delCAGTA).
Protein change: p.Tyr526_Lys528delinsTer.
Molecular consequence: nonsense.
Genome position (GRCh38, 1-based): chr5:126,545,003-126,545,007, TACTG deleted on the plus strand (CAGTA on the coding strand, the reverse complement: ALDH7A1 is on the minus strand); deleting any 5 consecutive bases within chr5:126,545,003-126,545,009 gives the same sequence; the c. name uses the placement nearest the transcript's 3' end. VCF-style (leftmost placement, unchanged base first): chr5-126545002-TTACTG-T. GRCh37 (hg19) VCF-style: chr5-125880694-TTACTG-T.
Other names: c.1494_1498del, p.Tyr498_Lys500delinsTer (NM_001201377.2); c.1386_1390del, p.Tyr462_Lys464delinsTer (NM_001202404.2).
Identifiers: ClinVar variation 1929376 (VCV001929376.5), dbSNP rs2480238893, ClinGen allele CA2580072496.
Genomic context (GRCh38, chr5:126,545,002, plus strand): 5'-AGGGATGTTCATCTAAAACACCTTTACTGAAACTTGATTCCTTGGGCCAGAGGAAGGTCT[TTACTG>T]TAGTTGATAGTACTAGTGGGAAAAAATAACAGAATTAATGACAGTACATACATAACAGAA-3'